The following is an entry in ClinVar:

NM_000016.6(ACADM):c.871T>G (p.Leu291Val)

Gene: ACADM (acyl-CoA dehydrogenase medium chain; plus strand). Cytogenetic location: 1p31.1.
Variant type: single nucleotide variant.
Coding change: c.871T>G on transcript NM_000016.6 (MANE Select); coding-DNA position 871, T replaced by G.
Protein change: p.Leu291Val; replaces leucine 291 with valine.
Molecular consequence: missense variant.
Genome position (GRCh38, 1-based): chr1:75,750,472, T>G. VCF-style: chr1-75750472-T-G. GRCh37 (hg19) VCF-style: chr1-76216157-T-G.
Other names: c.883T>G, p.Leu295Val (NM_001127328.3); c.763T>G, p.Leu255Val (NM_001286042.2); c.970T>G, p.Leu324Val (NM_001286043.2); c.304T>G, p.Leu102Val (NM_001286044.2); short protein forms L291V, L295V, L324V, L102V, L255V.
Identifiers: ClinVar variation 2228916 (VCV002228916.2), dbSNP rs2525652692, ClinGen allele CA340816973.

ClinVar aggregate classification (germline): Uncertain significance (1 of 4 stars; one submission).

Conditions:
Inborn genetic diseases. Identifiers: MedGen C0950123, MeSH D030342.

Allele frequency attached by ClinVar (database versions not stated): gnomAD exomes below 0.00001.
gnomAD v4.1: 2 of 1,612,074 alleles (0.00012%); highest among the groups gnomAD compares: Non-Finnish European, 0.00017%; no homozygotes.

Submission:

Ambry Genetics
Classification: Uncertain significance for Inborn genetic diseases. Last evaluated: 2021-02-11. Review status: criteria provided, single submitter. Criteria: Ambry Variant Classification Scheme 2023. Collection method: clinical testing. Allele origin: germline.
Comment: The c.871T>G (p.L291V) alteration is located in exon 10 (coding exon 10) of the ACADM gene. This alteration results from a T to G substitution at nucleotide position 871, causing the leucine (L) at amino acid position 291 to be replaced by a valine (V). The in silico prediction for the p.L291V alteration is inconclusive. Based on insufficient or conflicting evidence, the clinical significance of this alteration remains unclear.